The following is an entry in ClinVar:

NM_001291303.3(FAT4):c.3288C>A (p.Asn1096Lys)

Gene: FAT4 (FAT atypical cadherin 4; plus strand). Cytogenetic location: 4q28.1.
Variant type: single nucleotide variant.
Coding change: c.3288C>A on transcript NM_001291303.3 (MANE Select); coding-DNA position 3288, C replaced by A.
Protein change: p.Asn1096Lys; replaces asparagine 1096 with lysine.
Molecular consequence: missense variant.
Genome position (GRCh38, 1-based): chr4:125,319,699, C>A. VCF-style: chr4-125319699-C-A. GRCh37 (hg19) VCF-style: chr4-126240854-C-A.
Other names: c.3288C>A, p.Asn1096Lys (NM_001291285.3, NM_024582.6); short protein forms N1096K.
Identifiers: ClinVar variation 2039664 (VCV002039664.5), dbSNP rs777195892, ClinGen allele CA3072290.

ClinVar aggregate classification (germline): Uncertain significance. Review status: criteria provided, multiple submitters, no conflicts (2 of 4 stars). 2 submissions from 2 submitters: Uncertain significance (2). Last evaluated 2022-10-25.

Conditions:
Inborn genetic diseases. Identifiers: MedGen C0950123, MeSH D030342.

gnomAD v4.1: 15 of 1,613,924 alleles (0.00093%); highest among the groups gnomAD compares: Non-Finnish European, 0.0013%; no homozygotes.

Submissions (2):

Labcorp Genetics (formerly Invitae), Labcorp
Classification: Uncertain significance. Last evaluated: 2022-10-25. Review status: criteria provided, single submitter. Criteria: Invitae Variant Classification Sherloc (09022015). Collection method: clinical testing. Allele origin: germline.
Comment: In summary, the available evidence is currently insufficient to determine the role of this variant in disease. Therefore, it has been classified as a Variant of Uncertain Significance. Advanced modeling of protein sequence and biophysical properties (such as structural, functional, and spatial information, amino acid conservation, physicochemical variation, residue mobility, and thermodynamic stability) performed at Invitae indicates that this missense variant is not expected to disrupt FAT4 protein function. This variant has not been reported in the literature in individuals affected with FAT4-related conditions. This variant is present in population databases (rs777195892, gnomAD 0.002%). This sequence change replaces asparagine, which is neutral and polar, with lysine, which is basic and polar, at codon 1096 of the FAT4 protein (p.Asn1096Lys).

Ambry Genetics
Classification: Uncertain significance for Inborn genetic diseases. Last evaluated: 2022-09-07. Review status: criteria provided, single submitter. Criteria: Ambry Variant Classification Scheme 2023. Collection method: clinical testing. Allele origin: germline.